The following is an entry in ClinVar:

ClinVar aggregate classification (germline): Pathogenic (1 of 4 stars; one submission).

Submission:

Labcorp Genetics (formerly Invitae), Labcorp
Classification: Pathogenic. Last evaluated: 2025-02-03. Review status: criteria provided, single submitter. Criteria: Invitae Variant Classification Sherloc (09022015). Collection method: clinical testing. Allele origin: germline.
Comment: This sequence change creates a premature translational stop signal (p.Gln102*) in the TUBGCP4 gene. It is expected to result in an absent or disrupted protein product. Loss-of-function variants in TUBGCP4 are known to be pathogenic (PMID: 25817018). This variant is not present in population databases (gnomAD no frequency). This variant has not been reported in the literature in individuals affected with TUBGCP4-related conditions. ClinVar contains an entry for this variant (Variation ID: 2083463). For these reasons, this variant has been classified as Pathogenic.

Literature cited by the submitters: PubMed 25817018.

NM_014444.5(TUBGCP4):c.304C>T (p.Gln102Ter)

Gene: TUBGCP4 (tubulin gamma complex component 4; plus strand). Cytogenetic location: 15q15.3.
Variant type: single nucleotide variant.
Coding change: c.304C>T on transcript NM_014444.5 (MANE Select); coding-DNA position 304, C replaced by T.
Protein change: p.Gln102Ter; replaces glutamine 102 with a stop codon.
Molecular consequence: nonsense.
Genome position (GRCh38, 1-based): chr15:43,376,599, C>T. VCF-style: chr15-43376599-C-T. GRCh37 (hg19) VCF-style: chr15-43668797-C-T.
Other names: c.304C>T, p.Gln102Ter (NM_001286414.3); short protein forms Q102*.
Identifiers: ClinVar variation 2083463 (VCV002083463.4), dbSNP rs945304215, ClinGen allele CA392116249.
Genomic context (GRCh38, chr15:43,376,599, plus strand): 5'-CATGGAATCTACCTGCGGGCCTTCTGCACAGGGCTGGATTCTGTTTTGCAGCCTTATCGC[C>T]AAGCACTGCTTGATTTGGAACAAGAGGTAAGAAGGAGGAGATATAGGAAACACCTCTGGG-3'